The following is an entry in ClinVar:

NM_001035.3(RYR2):c.8470C>T (p.Arg2824Trp)

Gene: RYR2 (ryanodine receptor 2; plus strand). Cytogenetic location: 1q43.
Variant type: single nucleotide variant.
Coding change: c.8470C>T on transcript NM_001035.3 (MANE Select); coding-DNA position 8470, C replaced by T.
Protein change: p.Arg2824Trp; replaces arginine 2824 with tryptophan.
Molecular consequence: missense variant.
Genome position (GRCh38, 1-based): chr1:237,666,545, C>T. VCF-style: chr1-237666545-C-T. GRCh37 (hg19) VCF-style: chr1-237829845-C-T.
Other names: c.8470C>T, p.Arg2824Trp (LRG_402t1); short protein forms R2824W.
Identifiers: ClinVar variation 207951 (VCV000207951.49), dbSNP rs796052204, ClinGen allele CA204281.

ClinVar aggregate classification (germline): Uncertain significance. Review status: criteria provided, multiple submitters, no conflicts (2 of 4 stars). 3 submissions from 3 submitters: Uncertain significance (2). 1 of the submissions does not count toward it. Last evaluated 2023-09-17.

Conditions:
Catecholaminergic polymorphic ventricular tachycardia (CVPT). Also called: Catecholamine-induced polymorphic ventricular tachycardia. Identifiers: Orphanet 3286, MedGen C5574922, MONDO:0017990.
Long QT syndrome (LQTS). Identifiers: MedGen C0023976, MeSH D008133, MONDO:0002442. Disease mechanism: loss of function. Inheritance: Various modes of inheritance.
Catecholaminergic polymorphic ventricular tachycardia 1. Also called: VENTRICULAR TACHYCARDIA, STRESS-INDUCED POLYMORPHIC 1; VENTRICULAR TACHYCARDIA, CATECHOLAMINERGIC POLYMORPHIC, 1, WITH OR WITHOUT ATRIAL DYSFUNCTION AND/OR DILATED CARDIOMYOPATHY; RYR2-Related Catecholaminergic Polymorphic Ventricular Tachycardia. Identifiers: Orphanet 3286, MedGen C1631597, MONDO:0011484, OMIM 604772.

Allele frequency attached by ClinVar (database versions not stated): gnomAD exomes 0.00001 and 0.00002.
gnomAD v4.1: 13 of 1,612,338 alleles (0.00081%); highest among the groups gnomAD compares: South Asian, 0.0033%; no homozygotes.

Submissions (3):

All of Us Research Program, National Institutes of Health
Classification: Uncertain significance for Catecholaminergic polymorphic ventricular tachycardia. Last evaluated: 2023-09-17. Review status: criteria provided, single submitter. Criteria: ACMG Guidelines, 2015. Collection method: clinical testing. Allele origin: germline. Inheritance: Autosomal dominant inheritance. Observed: 1 variant allele, 1 heterozygote.
Comment: This missense variant replaces arginine with tryptophan at codon 2824 of the RYR2 protein. Computational prediction suggests that this variant may have deleterious impact on protein structure and function (internally defined REVEL score threshold >= 0.7, PMID: 27666373). To our knowledge, functional studies have not been reported for this variant. This variant has been reported in an individual affected with long QT syndrome (PMID: 26132555). This variant has been identified in 6/247014 chromosomes in the general population by the Genome Aggregation Database (gnomAD). The available evidence is insufficient to determine the role of this variant in disease conclusively. Therefore, this variant is classified as a Variant of Uncertain Significance.

This study involves interpretation of variants in research participants for the purpose of population health screening. Participant phenotype was not available at the time of variant classification. Additional details can be found in publication PMID: 35346344, PMCID: PMC8962531

Labcorp Genetics (formerly Invitae), Labcorp
Classification: Uncertain significance for Catecholaminergic polymorphic ventricular tachycardia 1. Last evaluated: 2023-08-11. Review status: criteria provided, single submitter. Criteria: Invitae Variant Classification Sherloc (09022015). Collection method: clinical testing. Allele origin: germline.
Comment: In summary, the available evidence is currently insufficient to determine the role of this variant in disease. Therefore, it has been classified as a Variant of Uncertain Significance. Advanced modeling of protein sequence and biophysical properties (such as structural, functional, and spatial information, amino acid conservation, physicochemical variation, residue mobility, and thermodynamic stability) performed at Invitae indicates that this missense variant is not expected to disrupt RYR2 protein function. ClinVar contains an entry for this variant (Variation ID: 207951). This missense change has been observed in individual(s) with long QT syndrome (PMID: 26132555). This variant is present in population databases (rs796052204, gnomAD 0.02%). This sequence change replaces arginine, which is basic and polar, with tryptophan, which is neutral and slightly polar, at codon 2824 of the RYR2 protein (p.Arg2824Trp).

Medical Research Institute, Tokyo Medical and Dental University
Classification: Uncertain significance for Long QT syndrome. Review status: no assertion criteria provided. Collection method: research. Allele origin: germline. Affected: yes. Not counted in ClinVar's aggregate classification.

Literature cited by the submitters: PubMed 26132555 (cited by 3 submitters).